The following is an entry in ClinVar:

ClinVar aggregate classification (germline): Likely pathogenic (1 of 4 stars; one submission).

Conditions:
Primary ciliary dyskinesia. Also called: Ciliary dyskinesia. Identifiers: Orphanet 244, MedGen C0008780, MONDO:0016575, HP:0012265.

Submission:

Natera, Inc.
Classification: Likely pathogenic for Primary ciliary dyskinesia. Last evaluated: 2025-08-07. Review status: criteria provided, single submitter. Criteria: Natera Variant Classification Schema (03/2026). Collection method: clinical testing. Allele origin: germline.
Comment: The c.10155C>G variant in DNAH5 is a nonsense variant predicted to introduce a stop codon at amino acid 3385. This variant is expected to result in nonsense mediated decay, truncation, or a dysfunctional protein product. This variant is rare in the general population with a frequency below the threshold expected for the associated phenotype(s). Given the available evidence, this variant is classified as Likely Pathogenic.

NM_001369.3(DNAH5):c.10155C>G (p.Tyr3385Ter)

Gene: DNAH5 (dynein axonemal heavy chain 5; minus strand). Cytogenetic location: 5p15.2.
Variant type: single nucleotide variant.
Coding change: c.10155C>G on transcript NM_001369.3 (MANE Select); coding-DNA position 10155, C replaced by G.
Protein change: p.Tyr3385Ter; replaces tyrosine 3385 with a stop codon.
Molecular consequence: nonsense.
Genome position (GRCh38, 1-based): chr5:13,762,848, G>C on the plus strand (C>G on the coding strand, the complement: DNAH5 is on the minus strand). VCF-style: chr5-13762848-G-C. GRCh37 (hg19) VCF-style: chr5-13762957-G-C.
Other names: short protein forms Y3385*.
Identifiers: ClinVar variation 4814848 (VCV004814848.1).